The following is an entry in ClinVar:

NM_018230.3(NUP133):c.70G>C (p.Gly24Arg)

Genes: NUP133 (nucleoporin 133; minus strand), LOC129932732 (ATAC-STARR-seq lymphoblastoid silent region 1931; plus strand). Cytogenetic location: 1q42.13.
Variant type: single nucleotide variant.
Coding change: c.70G>C on transcript NM_018230.3 (MANE Select); coding-DNA position 70, G replaced by C.
Protein change: p.Gly24Arg; replaces glycine 24 with arginine.
Molecular consequence: missense variant.
Genome position (GRCh38, 1-based): chr1:229,508,180, C>G on the plus strand (G>C on the coding strand, the complement: NUP133 is on the minus strand). VCF-style: chr1-229508180-C-G. GRCh37 (hg19) VCF-style: chr1-229643927-C-G.
Other names: short protein forms G24R.
Identifiers: ClinVar variation 2110481 (VCV002110481.4), dbSNP rs2102791627, ClinGen allele CA345166124.
Genomic context (GRCh38, chr1:229,508,180, plus strand): 5'-TGACTGCAGACCCCAGGGGCAGACCCTTCCTGCTAGCCGTCCGGGGCGTGGAGCCGGGCC[C>G]GAGTCCGGCCAGCGGGCCCCTTCGGGACCCGGTACCCGGGGTCCGCGGAGAAGGGGCGGC-3'
Protein context (NP_060700.2, residues 14-34): GSRRGPLAGL[Gly24Arg]PGSTPRTASR

ClinVar aggregate classification (germline): Uncertain significance (1 of 4 stars; one submission).

Allele frequency attached by ClinVar (database versions not stated): gnomAD 0.00001.

Submission:

Labcorp Genetics (formerly Invitae), Labcorp
Classification: Uncertain significance. Last evaluated: 2022-03-12. Review status: criteria provided, single submitter. Criteria: Invitae Variant Classification Sherloc (09022015). Collection method: clinical testing. Allele origin: germline.
Comment: Algorithms developed to predict the effect of missense changes on protein structure and function are either unavailable or do not agree on the potential impact of this missense change (SIFT: "Deleterious"; PolyPhen-2: "Benign"; Align-GVGD: "Class C0"). In summary, the available evidence is currently insufficient to determine the role of this variant in disease. Therefore, it has been classified as a Variant of Uncertain Significance. This variant has not been reported in the literature in individuals affected with NUP133-related conditions. This variant is not present in population databases (gnomAD no frequency). This sequence change replaces glycine, which is neutral and non-polar, with arginine, which is basic and polar, at codon 24 of the NUP133 protein (p.Gly24Arg).